The following is an entry in ClinVar:

ClinVar aggregate classification (germline): Uncertain significance (0 of 4 stars; one submission).

Conditions:
WDR37-related disorder. Also called: WDR37-related condition.

Submission:

PreventionGenetics, part of Exact Sciences
Classification: Uncertain significance for WDR37-related condition. Last evaluated: 2024-01-22. Review status: no assertion criteria provided. Collection method: clinical testing. Allele origin: germline.
Comment: The WDR37 c.175C>G variant is predicted to result in the amino acid substitution p.Leu59Val. To our knowledge, this variant has not been reported in the literature or in a large population database, indicating this variant is rare. At this time, the clinical significance of this variant is uncertain due to the absence of conclusive functional and genetic evidence.

NM_014023.4(WDR37):c.175C>G (p.Leu59Val)

Gene: WDR37 (WD repeat domain 37; plus strand). Cytogenetic location: 10p15.3.
Variant type: single nucleotide variant.
Coding change: c.175C>G on transcript NM_014023.4 (MANE Select); coding-DNA position 175, C replaced by G.
Protein change: p.Leu59Val; replaces leucine 59 with valine.
Molecular consequence: missense variant.
Genome position (GRCh38, 1-based): chr10:1,077,943, C>G. VCF-style: chr10-1077943-C-G. GRCh37 (hg19) VCF-style: chr10-1123883-C-G.
Other names: short protein forms L59V.
Identifiers: ClinVar variation 3052520 (VCV003052520.2), dbSNP rs2490657649, ClinGen allele CA375855821.